The following is an entry in ClinVar:

ClinVar aggregate classification (germline): Likely pathogenic. Review status: criteria provided, multiple submitters, no conflicts (2 of 4 stars). 4 submissions from 4 submitters: Likely pathogenic (2). 2 of the submissions do not count toward it. Last evaluated 2026-06-30.

Conditions:
Chronic granulomatous disease. Identifiers: Orphanet 379, MedGen C0018203, MONDO:0018305.
Granulomatous disease, chronic, autosomal recessive, cytochrome b-negative. Also called: CGD DUE TO DEFICIENCY OF THE ALPHA SUBUNIT OF CYTOCHROME b; CGD, AUTOSOMAL RECESSIVE CYTOCHROME b-NEGATIVE; Chronic granulomatous disease, autosomal, due to deficiency of CYBA; CYBA DEFICIENCY; GRANULOMATOUS DISEASE, CHRONIC, AUTOSOMAL RECESSIVE, 4. Identifiers: Orphanet 379, MedGen C1856255, MONDO:0009308, OMIM 233690.

gnomAD v4.1: 3 of 1,532,140 alleles (0.0002%); highest among the groups gnomAD compares: Non-Finnish European, 0.000087%; no homozygotes.

Submissions (4):

Myriad Genetics, Inc.
Classification: Likely pathogenic for Granulomatous disease, chronic, autosomal recessive, cytochrome b-negative. Last evaluated: 2026-06-30. Review status: criteria provided, single submitter. Criteria: Myriad Autosomal Dominant, Autosomal Recessive and X-Linked Classification Criteria (2023). Collection method: clinical testing. Allele origin: unknown.
Comment: NM_000101.3(CYBA):c.467C>A(P156Q) is a missense variant classified as likely pathogenic in the context of chronic granulomatous disease, CYBA-related. P156Q has been observed in a case with relevant disease (PMID: 1763037). Relevant functional assessments of this variant are available in the literature (PMID: 16460309, 19948736, 36122532). P156Q has not been observed in referenced population frequency databases. In summary, NM_000101.3(CYBA):c.467C>A(P156Q) is a missense variant that has functional support for pathogenicity and has been observed more frequently in cases with the relevant disease than in healthy populations. Please note: this variant was assessed in the context of healthy population screening.

Natera, Inc.
Classification: Likely pathogenic for Chronic granulomatous disease. Last evaluated: 2024-11-06. Review status: criteria provided, single submitter. Criteria: Natera Variant Classification Schema (03/2026). Collection method: clinical testing. Allele origin: germline.
Comment: The c.467C>A variant in CYBA is a missense variant predicted to cause substitution of proline to glutamine at amino acid 156. This variant is rare in the general population with a frequency below the threshold expected for the associated phenotype(s). Functional studies show that this variant may disrupt protein function (PMID: 1763037, 7964505, 23957209, 36122532). Computational prediction algorithms indicate this variant is likely to affect gene or protein function. Given the available evidence, this variant is classified as Likely Pathogenic.

OMIM
Classification: Pathogenic for GRANULOMATOUS DISEASE, CHRONIC, AUTOSOMAL RECESSIVE, 4. Last evaluated: 1991-12-15. Review status: no assertion criteria provided. Collection method: literature only. Allele origin: germline. Not counted in ClinVar's aggregate classification.

GeneReviews
No classification provided. Condition: Chronic granulomatous disease. Review status: no classification provided. Collection method: literature only. Allele origin: germline. Affected: yes. Not counted in ClinVar's aggregate classification.

Literature cited by the submitters: PubMed 16460309 (cited by Myriad Genetics, Inc.); PubMed 1763037 (cited by 3 submitters); PubMed 19948736 (cited by Myriad Genetics, Inc.); PubMed 36122532 (cited by Myriad Genetics, Inc. and Natera, Inc.); PubMed 7964505 (cited by Natera, Inc.); PubMed 23957209 (cited by Natera, Inc.); PubMed 20167518 (cited by GeneReviews); NCBI Bookshelf NBK99496 (cited by GeneReviews).

NM_000101.4(CYBA):c.467C>A (p.Pro156Gln)

Gene: CYBA (cytochrome b-245 alpha chain; minus strand). Cytogenetic location: 16q24.2.
Variant type: single nucleotide variant.
Coding change: c.467C>A on transcript NM_000101.4 (MANE Select); coding-DNA position 467, C replaced by A.
Protein change: p.Pro156Gln; replaces proline 156 with glutamine.
Molecular consequence: missense variant.
Genome position (GRCh38, 1-based): chr16:88,643,474, G>T on the plus strand (C>A on the coding strand, the complement: CYBA is on the minus strand). VCF-style: chr16-88643474-G-T. GRCh37 (hg19) VCF-style: chr16-88709882-G-T.
Other names: short protein forms P156Q.
Identifiers: ClinVar variation 2260 (VCV000002260.5), dbSNP rs104894515, ClinGen allele CA115452.